The following is an entry in ClinVar:

ClinVar aggregate classification (germline): Uncertain significance (1 of 4 stars; one submission).

Conditions:
Cardiovascular phenotype. Identifiers: MedGen CN230736.

Allele frequency attached by ClinVar (database versions not stated): gnomAD 0.00001; TOPMed 0.00001; gnomAD exomes 0.00002.
gnomAD v4.1: 11 of 1,606,076 alleles (0.00068%); highest among the groups gnomAD compares: East Asian, 0.018%; 1 homozygote.

Submission:

Ambry Genetics
Classification: Uncertain significance for Cardiovascular phenotype. Last evaluated: 2023-08-03. Review status: criteria provided, single submitter. Criteria: Ambry Variant Classification Scheme 2023. Collection method: clinical testing. Allele origin: germline.
Comment: The p.V99M variant (also known as c.295G>A), located in coding exon 2 of the LAMA4 gene, results from a G to A substitution at nucleotide position 295. The valine at codon 99 is replaced by methionine, an amino acid with highly similar properties. This amino acid position is conserved. In addition, the in silico prediction for this alteration is inconclusive. Since supporting evidence is limited at this time, the clinical significance of this alteration remains unclear.

NM_001105206.3(LAMA4):c.295G>A (p.Val99Met)

Gene: LAMA4 (laminin subunit alpha 4; minus strand). Cytogenetic location: 6q21.
Variant type: single nucleotide variant.
Coding change: c.295G>A on transcript NM_001105206.3 (MANE Select); coding-DNA position 295, G replaced by A.
Protein change: p.Val99Met; replaces valine 99 with methionine.
Molecular consequence: missense variant.
Genome position (GRCh38, 1-based): chr6:112,216,370, C>T on the plus strand (G>A on the coding strand, the complement: LAMA4 is on the minus strand). VCF-style: chr6-112216370-C-T. GRCh37 (hg19) VCF-style: chr6-112537571-C-T.
Other names: c.295G>A, p.Val99Met (NM_001105207.3, NM_002290.5); short protein forms V99M.
Identifiers: ClinVar variation 2625044 (VCV002625044.2), dbSNP rs1281137752, ClinGen allele CA365518031.